The following is an entry in ClinVar:

NM_006432.5(NPC2):c.289del (p.Ile97fs)

Gene: NPC2 (NPC intracellular cholesterol transporter 2; minus strand). Cytogenetic location: 14q24.3.
Variant type: Deletion.
Coding change: c.289del on transcript NM_006432.5 (MANE Select); coding-DNA position 289, one base deleted (A; older notation c.289delA).
Protein change: p.Ile97fs; shifts the reading frame from isoleucine 97.
Molecular consequence: frameshift variant.
Genome position (GRCh38, 1-based): chr14:74,484,489, T deleted on the plus strand (A on the coding strand, the reverse complement: NPC2 is on the minus strand); the first of 2 consecutive T bases (chr14:74,484,489-74,484,490); deleting either gives the same sequence. VCF-style (leftmost placement, unchanged base first): chr14-74484488-AT-A. GRCh37 (hg19) VCF-style: chr14-74951191-AT-A.
Other names: c.289del, p.Ile97fs (NM_001363688.1, NM_001375440.1); short protein forms I97fs.
Identifiers: ClinVar variation 3383995 (VCV003383995.1).

ClinVar aggregate classification (germline): Pathogenic (1 of 4 stars; one submission).

Conditions:
Sphingomyelin/cholesterol lipidosis. Also called: Niemann-Pick disease. Identifiers: MedGen C0028064, MONDO:0001982.

Submission:

Dubai Health Genomic Medicine Center, Dubai Health
Classification: Pathogenic for Niemann-Pick disease. Last evaluated: 2024-10-04. Review status: criteria provided, single submitter. Criteria: ACMG Guidelines, 2015. Collection method: research. Allele origin: germline. Affected: yes.
Comment: PVS1,PP4,PM2